The following is an entry in ClinVar:

NM_000455.5(STK11):c.225G>C (p.Arg75Ser)

Gene: STK11 (serine/threonine kinase 11; plus strand). Cytogenetic location: 19p13.3.
Variant type: single nucleotide variant.
Coding change: c.225G>C on transcript NM_000455.5 (MANE Select); coding-DNA position 225, G replaced by C.
Protein change: p.Arg75Ser; replaces arginine 75 with serine.
Molecular consequence: missense variant. On other transcripts: non-coding transcript variant (1).
Genome position (GRCh38, 1-based): chr19:1,207,138, G>C. VCF-style: chr19-1207138-G-C. GRCh37 (hg19) VCF-style: chr19-1207137-G-C.
Other names: c.225G>C, p.Arg75Ser (NM_001407255.1); short protein forms R75S.
Identifiers: ClinVar variation 4747123 (VCV004747123.1).

ClinVar aggregate classification (germline): Uncertain significance (1 of 4 stars; one submission).

Conditions:
Peutz-Jeghers syndrome (PJS). Also called: POLYPOSIS, HAMARTOMATOUS INTESTINAL; POLYPS-AND-SPOTS SYNDROME; Peutz-Jeghers polyposis; Periorificial lentiginosis syndrome. Identifiers: Orphanet 2869, MedGen C0031269, MeSH D010580, MONDO:0008280, OMIM 175200.

Submission:

Labcorp Genetics (formerly Invitae), Labcorp
Classification: Uncertain significance for Peutz-Jeghers syndrome. Last evaluated: 2025-07-30. Review status: criteria provided, single submitter. Criteria: Invitae Variant Classification Sherloc (09022015). Collection method: clinical testing. Allele origin: germline.
Comment: This sequence change replaces arginine, which is basic and polar, with serine, which is neutral and polar, at codon 75 of the STK11 protein (p.Arg75Ser). This variant is not present in population databases (gnomAD no frequency). This variant has not been reported in the literature in individuals affected with STK11-related conditions. Invitae Evidence Modeling of protein sequence and biophysical properties (such as structural, functional, and spatial information, amino acid conservation, physicochemical variation, residue mobility, and thermodynamic stability) has been performed for this missense variant. However, the output from this modeling did not meet the statistical confidence thresholds required to predict the impact of this variant on STK11 protein function. In summary, the available evidence is currently insufficient to determine the role of this variant in disease. Therefore, it has been classified as a Variant of Uncertain Significance.